The following is an entry in ClinVar:

NM_005633.4(SOS1):c.1199T>G (p.Leu400Arg)

Gene: SOS1 (SOS Ras/Rac guanine nucleotide exchange factor 1; minus strand). Cytogenetic location: 2p22.1.
Variant type: single nucleotide variant.
Coding change: c.1199T>G on transcript NM_005633.4 (MANE Select); coding-DNA position 1199, T replaced by G.
Protein change: p.Leu400Arg; replaces leucine 400 with arginine.
Molecular consequence: missense variant.
Genome position (GRCh38, 1-based): chr2:39,024,013, A>C on the plus strand (T>G on the coding strand, the complement: SOS1 is on the minus strand). VCF-style: chr2-39024013-A-C. GRCh37 (hg19) VCF-style: chr2-39251154-A-C.
Other names: c.1178T>G, p.Leu393Arg (NM_001382394.1); c.1199T>G, p.Leu400Arg (NM_001382395.1); short protein forms L400R, L393R.
Identifiers: ClinVar variation 1878390 (VCV001878390.1), dbSNP rs2529042495, ClinGen allele CA346366740.

ClinVar aggregate classification (germline): Uncertain significance (1 of 4 stars; one submission).

Submission:

Women's Health and Genetics/Laboratory Corporation of America, LabCorp
Classification: Uncertain significance. Last evaluated: 2022-12-27. Review status: criteria provided, single submitter. Criteria: LabCorp Variant Classification Summary - May 2015. Collection method: clinical testing. Allele origin: germline.
Comment: Variant summary: SOS1 c.1199T>G (p.Leu400Arg) results in a non-conservative amino acid change in the encoded protein sequence. Three of five in-silico tools predict a damaging effect of the variant on protein function. The variant was absent in 249446 control chromosomes (gnomAD). The available data on variant occurrences in the general population are insufficient to allow any conclusion about variant significance. To our knowledge, no occurrence of c.1199T>G in individuals affected with Noonan Syndrome and no experimental evidence demonstrating its impact on protein function have been reported. No clinical diagnostic laboratories have submitted clinical-significance assessments for this variant to ClinVar after 2014. Based on the evidence outlined above, the variant was classified as uncertain significance.